The following is an entry in ClinVar:

NM_005475.3(SH2B3):c.215A>G (p.Gln72Arg)

Gene: SH2B3 (SH2B adaptor protein 3; plus strand). Cytogenetic location: 12q24.12.
Variant type: single nucleotide variant.
Coding change: c.215A>G on transcript NM_005475.3 (MANE Select); coding-DNA position 215, A replaced by G.
Protein change: p.Gln72Arg; replaces glutamine 72 with arginine.
Molecular consequence: missense variant.
Genome position (GRCh38, 1-based): chr12:111,418,360, A>G. VCF-style: chr12-111418360-A-G. GRCh37 (hg19) VCF-style: chr12-111856164-A-G.
Other names: short protein forms Q72R.
Identifiers: ClinVar variation 3953480 (VCV003953480.1).

ClinVar aggregate classification (germline): Uncertain significance (1 of 4 stars; one submission).

Conditions:
Inborn genetic diseases. Identifiers: MedGen C0950123, MeSH D030342.

gnomAD v4.1: 2 of 1,521,026 alleles (0.00013%); highest among the groups gnomAD compares: Non-Finnish European, 0.00018%; no homozygotes.

Submission:

Ambry Genetics
Classification: Uncertain significance for Inborn genetic diseases. Last evaluated: 2025-05-01. Review status: criteria provided, single submitter. Criteria: Ambry Variant Classification Scheme 2023. Collection method: clinical testing. Allele origin: germline.
Comment: The p.Q72R variant (also known as c.215A>G), located in coding exon 1 of the SH2B3 gene, results from an A to G substitution at nucleotide position 215. The glutamine at codon 72 is replaced by arginine, an amino acid with highly similar properties. This amino acid position is conserved. In addition, this alteration is predicted to be tolerated by in silico analysis. Based on the available evidence, the clinical significance of this variant remains unclear.